The following is an entry in ClinVar:

NM_032634.4(PIGO):c.1949C>T (p.Ser650Phe)

Gene: PIGO (phosphatidylinositol glycan anchor biosynthesis class O; minus strand). Cytogenetic location: 9p13.3.
Variant type: single nucleotide variant.
Coding change: c.1949C>T on transcript NM_032634.4 (MANE Select); coding-DNA position 1949, C replaced by T.
Protein change: p.Ser650Phe; replaces serine 650 with phenylalanine.
Molecular consequence: missense variant. On other transcripts: intron variant (2).
Genome position (GRCh38, 1-based): chr9:35,091,938, G>A on the plus strand (C>T on the coding strand, the complement: PIGO is on the minus strand). VCF-style: chr9-35091938-G-A. GRCh37 (hg19) VCF-style: chr9-35091935-G-A.
Other names: c.1344+605C>T (NM_152850.4, NM_001201484.2); short protein forms S650F.
Identifiers: ClinVar variation 653287 (VCV000653287.7), dbSNP rs1587164764, ClinGen allele CA373321085.
Genomic context (GRCh38, chr9:35,091,938, plus strand): 5'-TACCACAAATTCTTGGCTCGACCACCCACCATGGATGCCAGAGGACTCAGCCAGGGAGAG[G>A]AGTGGCAAACAGGTGTCTCTTCAGGGCAACGATGAAAAAGCCCAGCTAGCCTTGTACATA-3'
Protein context (NP_116023.2, residues 640-660): RCPEETPVCH[Ser650Phe]SPWLSPLASM

ClinVar aggregate classification (germline): Uncertain significance (1 of 4 stars; one submission).

Conditions:
Hyperphosphatasia with impaired intellectual development syndrome 2. Also called: Hyperphosphatasia with intellectual disability syndrome 2; GLYCOSYLPHOSPHATIDYLINOSITOL BIOSYNTHESIS DEFECT 6. Identifiers: Orphanet 247262, MedGen C3553637, MONDO:0013882, OMIM 614749.

Allele frequency attached by ClinVar (database versions not stated): gnomAD exomes below 0.00001; TOPMed below 0.00001.
gnomAD v4.1: 1 of 1,614,226 alleles (0.000062%); highest among the groups gnomAD compares: Non-Finnish European, 0.000085%; no homozygotes.

Submission:

Labcorp Genetics (formerly Invitae), Labcorp
Classification: Uncertain significance for Hyperphosphatasia with impaired intellectual development syndrome 2. Last evaluated: 2024-02-23. Review status: criteria provided, single submitter. Criteria: Invitae Variant Classification Sherloc (09022015). Collection method: clinical testing. Allele origin: germline.
Comment: This sequence change replaces serine, which is neutral and polar, with phenylalanine, which is neutral and non-polar, at codon 650 of the PIGO protein (p.Ser650Phe). This variant is not present in population databases (gnomAD no frequency). This variant has not been reported in the literature in individuals affected with PIGO-related conditions. ClinVar contains an entry for this variant (Variation ID: 653287). An algorithm developed to predict the effect of missense changes on protein structure and function (PolyPhen-2) suggests that this variant is likely to be disruptive. In summary, the available evidence is currently insufficient to determine the role of this variant in disease. Therefore, it has been classified as a Variant of Uncertain Significance.